The following is an entry in ClinVar:

NM_170682.4(P2RX2):c.256A>C (p.Thr86Pro)

Gene: P2RX2 (purinergic receptor P2X 2; plus strand). Cytogenetic location: 12q24.33.
Variant type: single nucleotide variant.
Coding change: c.256A>C on transcript NM_170682.4 (MANE Select); coding-DNA position 256, A replaced by C.
Protein change: p.Thr86Pro; replaces threonine 86 with proline.
Molecular consequence: missense variant. On other transcripts: intron variant (1).
Genome position (GRCh38, 1-based): chr12:132,619,521, A>C. VCF-style: chr12-132619521-A-C. GRCh37 (hg19) VCF-style: chr12-133196107-A-C.
Other names: c.256A>C, p.Thr86Pro (NM_001282164.2, NM_001282165.2, NM_016318.4 and 2 more transcripts); c.188A>C, p.His63Pro (NM_012226.5); c.106-323A>C (NM_174872.3); short protein forms H63P, T86P.
Identifiers: ClinVar variation 4540080 (VCV004540080.1).
Genomic context (GRCh38, chr12:132,619,521, plus strand): 5'-AGCTACCAGGAGAGCGAGACGGGCCCCGAGAGCTCCATCATCACCAAGGTCAAGGGGATC[A>C]CCACGTCCGAGCACAAAGTGTGGGACGTGGAGGAGTACGTGAAGCCCCCCGAGGTGCGGG-3'
Protein context (NP_733782.1, residues 76-96): SSIITKVKGI[Thr86Pro]TSEHKVWDVE

ClinVar aggregate classification (germline): Uncertain significance (1 of 4 stars; one submission).

gnomAD v4.1: 2 of 1,612,082 alleles (0.00012%); highest among the groups gnomAD compares: Non-Finnish European, 0.00017%; no homozygotes.

Submission:

GeneDx
Classification: Uncertain significance. Last evaluated: 2025-06-24. Review status: criteria provided, single submitter. Criteria: GeneDx Variant Classification Process June 2021. Collection method: clinical testing. Allele origin: germline. Affected: yes.
Comment: Not observed at significant frequency in large population cohorts (gnomAD); In silico analysis supports that this missense variant has a deleterious effect on protein structure/function; Has not been previously published as pathogenic or benign to our knowledge